The following is an entry in ClinVar:

ClinVar aggregate classification (germline): Uncertain significance (1 of 4 stars; one submission).

Conditions:
Neuropathy, hereditary sensory and autonomic, type 1C. Also called: HSAN IC; HSN IC. Identifiers: Orphanet 36386, MedGen C3150896, MONDO:0013337, OMIM 613640.

Submission:

Labcorp Genetics (formerly Invitae), Labcorp
Classification: Uncertain significance for Neuropathy, hereditary sensory and autonomic, type 1C. Last evaluated: 2023-09-14. Review status: criteria provided, single submitter. Criteria: Invitae Variant Classification Sherloc (09022015). Collection method: clinical testing. Allele origin: germline.
Comment: This variant is not present in population databases (gnomAD no frequency). This variant has not been reported in the literature in individuals affected with SPTLC2-related conditions. ClinVar contains an entry for this variant (Variation ID: 1363520). Experimental studies and prediction algorithms are not available or were not evaluated, and the functional significance of this variant is currently unknown. In summary, the available evidence is currently insufficient to determine the role of this variant in disease. Therefore, it has been classified as a Variant of Uncertain Significance. This sequence change results in a frameshift in the SPTLC2 gene (p.Arg541Valfs*57). While this is not anticipated to result in nonsense mediated decay, it is expected to disrupt the last 22 amino acid(s) of the SPTLC2 protein and extend the protein by 34 additional amino acid residues.

NM_004863.4(SPTLC2):c.1621del (p.Arg541fs)

Gene: SPTLC2 (serine palmitoyltransferase long chain base subunit 2; minus strand). Cytogenetic location: 14q24.3.
Variant type: Deletion.
Coding change: c.1621del on transcript NM_004863.4 (MANE Select); coding-DNA position 1621, one base deleted (C; older notation c.1621delC).
Protein change: p.Arg541fs; shifts the reading frame from arginine 541.
Molecular consequence: frameshift variant.
Genome position (GRCh38, 1-based): chr14:77,512,352, G deleted on the plus strand (C on the coding strand, the reverse complement: SPTLC2 is on the minus strand); the first of 3 consecutive G bases (chr14:77,512,352-77,512,354); deleting any one gives the same sequence. VCF-style (leftmost placement, unchanged base first): chr14-77512351-CG-C. GRCh37 (hg19) VCF-style: chr14-77978694-CG-C.
Other names: short protein forms R541fs.
Identifiers: ClinVar variation 1363520 (VCV001363520.6), dbSNP rs2139989157, ClinGen allele CA2573150249.